The following is an entry in ClinVar:

ClinVar aggregate classification (germline): Benign. Review status: criteria provided, multiple submitters, no conflicts (2 of 4 stars). 2 submissions from 2 submitters: Benign (2). Last evaluated 2018-01-12.

Conditions:
Amyotrophic lateral sclerosis type 9 (ALS9). Identifiers: Orphanet 803, MedGen C2678468, MONDO:0012753, OMIM 611895.

Allele frequency attached by ClinVar (database versions not stated): 1000 Genomes Project 0.02177; gnomAD 0.02510 and 0.02544; TOPMed 0.01986; gnomAD exomes 0.02778; 1000 Genomes Project 30x 0.02155.
gnomAD v4.1: 3,867 of 152,242 alleles (2.5%); highest among the groups gnomAD compares: South Asian, 4.2%; 67 homozygotes.

Submissions (2):

Illumina Laboratory Services, Illumina
Classification: Benign for Amyotrophic lateral sclerosis type 9. Last evaluated: 2018-01-12. Review status: criteria provided, single submitter. Criteria: ICSL Variant Classification Criteria 13 December 2019. Collection method: clinical testing. Allele origin: germline.
Comment: This variant was observed in the ICSL laboratory as part of a predisposition screen in an ostensibly healthy population. It had not been previously curated by ICSL or reported in the Human Gene Mutation Database (HGMD: prior to June 1st, 2018), and was therefore a candidate for classification through an automated scoring system. Utilizing variant allele frequency, disease prevalence and penetrance estimates, and inheritance mode, an automated score was calculated to assess if this variant is too frequent to cause the disease. Based on the score and internal cut-off values, a variant classified as benign is not then subjected to further curation. The score for this variant resulted in a classification of benign for this disease.

Breakthrough Genomics
Classification: Benign. Review status: criteria provided, single submitter. Criteria: ACMG Guidelines, 2015. Collection method: not provided. Allele origin: germline. Inheritance: Unknown mechanism. Affected: yes.

NM_001145.4(ANG):c.-530T>C

Gene: ANG (angiogenin; plus strand). Cytogenetic location: 14q11.2.
Variant type: single nucleotide variant.
Coding change: c.-530T>C on transcript NM_001145.4; 530 bases upstream of the start codon, T replaced by C.
Molecular consequence: 5 prime UTR variant.
Genome position (GRCh38, 1-based): chr14:20,684,247, T>C. VCF-style: chr14-20684247-T-C. GRCh37 (hg19) VCF-style: chr14-21152406-T-C.
Identifiers: ClinVar variation 312762 (VCV000312762.8), dbSNP rs117053048, ClinGen allele CA10639901.